The following is an entry in ClinVar:

ClinVar aggregate classification (germline): Likely benign (1 of 4 stars; one submission).

Conditions:
MKS1-related disorder. Also called: MKS1-related disorders; MKS1-related condition. Identifiers: MedGen CN239382.

Submission:

PreventionGenetics, part of Exact Sciences
Classification: Likely benign for MKS1-related condition. Last evaluated: 2024-12-02. Review status: criteria provided, single submitter. Criteria: ACMG Guidelines, 2015. Collection method: clinical testing. Allele origin: germline.
Comment: This variant is classified as likely benign based on ACMG/AMP sequence variant interpretation guidelines (Richards et al. 2015 PMID: 25741868, with internal and published modifications).

NC_000017.11:g.58219482C>T

Gene: MKS1 (MKS transition zone complex subunit 1; minus strand). Cytogenetic location: 17q22.
Variant type: single nucleotide variant.
Genome position: GRCh38 VCF-style: chr17-58219482-C-T. GRCh37 (hg19) VCF-style: chr17-56296843-C-T.
Other names: NM_001165927.1:c.30G>A.
Identifiers: ClinVar variation 4999945 (VCV004999945.1).
Genomic context (GRCh38, chr17:58,219,482, plus strand): 5'-CTACCGATCACCGCTTACCATGTATGCGATAAAAGCTCACCGAAAGCGGGACCTCGTGCG[C>T]TGTGCAAATGAGGAAACTGGCACAGCCATCAGCCCACTTCATATAGACAGATAGATGCAG-3'